The following is an entry in ClinVar:

NM_001384732.1(CPLANE1):c.5072A>G (p.Asp1691Gly)

Gene: CPLANE1 (ciliogenesis and planar polarity effector complex subunit 1; minus strand). Cytogenetic location: 5p13.2.
Variant type: single nucleotide variant.
Coding change: c.5072A>G on transcript NM_001384732.1 (MANE Select); coding-DNA position 5072, A replaced by G.
Protein change: p.Asp1691Gly; replaces aspartic acid 1691 with glycine.
Molecular consequence: missense variant.
Genome position (GRCh38, 1-based): chr5:37,183,109, T>C on the plus strand (A>G on the coding strand, the complement: CPLANE1 is on the minus strand). VCF-style: chr5-37183109-T-C. GRCh37 (hg19) VCF-style: chr5-37183211-T-C.
Other names: c.5072A>G, p.Asp1691Gly (NM_023073.4); short protein forms D1691G.
Identifiers: ClinVar variation 1686777 (VCV001686777.6), dbSNP rs1348488187, ClinGen allele CA359494292.

ClinVar aggregate classification (germline): Uncertain significance. Review status: criteria provided, multiple submitters, no conflicts (2 of 4 stars). 2 submissions from 2 submitters: Uncertain significance (2). Last evaluated 2022-04-19.

Allele frequency attached by ClinVar (database versions not stated): gnomAD exomes below 0.00001; gnomAD 0.00002; TOPMed 0.00002.
gnomAD v4.1: 8 of 1,613,158 alleles (0.0005%); highest among the groups gnomAD compares: African/African-American, 0.0013%; no homozygotes.

Submissions (2):

GeneDx
Classification: Uncertain significance. Last evaluated: 2022-04-19. Review status: criteria provided, single submitter. Criteria: GeneDx Variant Classification Process June 2021. Collection method: clinical testing. Allele origin: germline. Affected: yes.
Comment: Not observed at significant frequency in large population cohorts (gnomAD); In silico analysis supports that this missense variant does not alter protein structure/function; Has not been previously published as pathogenic or benign to our knowledge

Labcorp Genetics (formerly Invitae), Labcorp
Classification: Uncertain significance. Last evaluated: 2022-04-07. Review status: criteria provided, single submitter. Criteria: Invitae Variant Classification Sherloc (09022015). Collection method: clinical testing. Allele origin: germline.
Comment: Advanced modeling of protein sequence and biophysical properties (such as structural, functional, and spatial information, amino acid conservation, physicochemical variation, residue mobility, and thermodynamic stability) performed at Invitae indicates that this missense variant is not expected to disrupt CPLANE1 protein function. In summary, the available evidence is currently insufficient to determine the role of this variant in disease. Therefore, it has been classified as a Variant of Uncertain Significance. This variant has not been reported in the literature in individuals affected with CPLANE1-related conditions. The frequency data for this variant in the population databases is considered unreliable, as metrics indicate poor data quality at this position in the gnomAD database. This sequence change replaces aspartic acid, which is acidic and polar, with glycine, which is neutral and non-polar, at codon 1691 of the CPLANE1 protein (p.Asp1691Gly).